The following is an entry in ClinVar:

NM_002900.3(RBP3):c.2818G>A (p.Val940Met)

Gene: RBP3 (retinol binding protein 3; plus strand). Cytogenetic location: 10q11.22.
Variant type: single nucleotide variant.
Coding change: c.2818G>A on transcript NM_002900.3 (MANE Select); coding-DNA position 2818, G replaced by A.
Protein change: p.Val940Met; replaces valine 940 with methionine.
Molecular consequence: missense variant.
Genome position (GRCh38, 1-based): chr10:47,351,302, G>A. VCF-style: chr10-47351302-G-A. GRCh37 (hg19) VCF-style: chr10-48388060-C-T.
Other names: short protein forms V940M.
Identifiers: ClinVar variation 2010320 (VCV002010320.4), dbSNP rs2549029553, ClinGen allele CA376675164.

ClinVar aggregate classification (germline): Uncertain significance (1 of 4 stars; one submission).

Submission:

Labcorp Genetics (formerly Invitae), Labcorp
Classification: Uncertain significance. Last evaluated: 2023-06-13. Review status: criteria provided, single submitter. Criteria: Invitae Variant Classification Sherloc (09022015). Collection method: clinical testing. Allele origin: germline.
Comment: In summary, the available evidence is currently insufficient to determine the role of this variant in disease. Therefore, it has been classified as a Variant of Uncertain Significance. An algorithm developed to predict the effect of missense changes on protein structure and function (PolyPhen-2) suggests that this variant is likely to be disruptive. ClinVar contains an entry for this variant (Variation ID: 2010320). This variant has not been reported in the literature in individuals affected with RBP3-related conditions. This variant is not present in population databases (gnomAD no frequency). This sequence change replaces valine, which is neutral and non-polar, with methionine, which is neutral and non-polar, at codon 940 of the RBP3 protein (p.Val940Met).